The following is an entry in ClinVar:

NM_003384.3(VRK1):c.307dup (p.Arg103fs)

Gene: VRK1 (VRK serine/threonine kinase 1; plus strand). Cytogenetic location: 14q32.2.
Variant type: Duplication.
Coding change: c.307dup on transcript NM_003384.3 (MANE Select); coding-DNA position 307, one base duplicated (C; older notation c.307dupC).
Protein change: p.Arg103fs; shifts the reading frame from arginine 103.
Molecular consequence: frameshift variant.
Genome position (GRCh38, 1-based): chr14:96,847,277, C duplicated; the last of 3 consecutive C bases (chr14:96,847,275-96,847,277); duplicating any one gives the same sequence. VCF-style (leftmost placement, unchanged base first): chr14-96847274-A-AC. GRCh37 (hg19) VCF-style: chr14-97313611-A-AC.
Other names: c.307dup, p.Arg103fs (NM_001411051.1, NM_001411053.1); short protein forms R103fs.
Identifiers: ClinVar variation 5011236 (VCV005011236.1).
Genomic context (GRCh38, chr14:96,847,274, plus strand): 5'-ATGTATAACAATTGAAATCACAAAGATCTGTTTTAATTTGTAGTTCAGAAATGGATTCGT[A>AC]CCCGTAAGCTGAAGTACCTGGGTGTTCCTAAGTATTGGGGGTCTGGTCTACATGACAAAA-3'

ClinVar aggregate classification (germline): Pathogenic (1 of 4 stars; one submission).

Conditions:
Pontocerebellar hypoplasia type 1A (PCH1A). Also called: PONTOCEREBELLAR HYPOPLASIA WITH ANTERIOR HORN CELL DISEASE; PONTOCEREBELLAR HYPOPLASIA WITH INFANTILE SPINAL MUSCULAR ATROPHY. Identifiers: Orphanet 2254, Orphanet 88616, MedGen C1843504, MONDO:0011866, OMIM 607596.

Submission:

Myriad Genetics, Inc.
Classification: Pathogenic for Pontocerebellar hypoplasia type 1A. Last evaluated: 2023-08-05. Review status: criteria provided, single submitter. Criteria: Myriad Autosomal Dominant, Autosomal Recessive and X-Linked Classification Criteria (2023). Collection method: clinical testing. Allele origin: unknown.
Comment: NM_003384.2(VRK1):c.307dupC(R103Pfs*2) is expected to be pathogenic in the context of pontocerebellar hypoplasia, VRK1-related. This variant is predicted to lead to an abnormal or absent protein product due to the creation of a premature termination codon in VRK1, a gene where loss-of-function variants are known to be pathogenic. Please note: this variant was assessed in the context of healthy population screening.